The following is an entry in ClinVar:

ClinVar aggregate classification (germline): Uncertain significance (1 of 4 stars; one submission).

Conditions:
Spastic paraplegia. Identifiers: MedGen C0037772, HP:0001258.

Allele frequency attached by ClinVar (database versions not stated): gnomAD exomes below 0.00001.
gnomAD v4.1: 7 of 1,613,056 alleles (0.00043%); highest among the groups gnomAD compares: Non-Finnish European, 0.00051%; no homozygotes.

Submission:

Labcorp Genetics (formerly Invitae), Labcorp
Classification: Uncertain significance for Spastic paraplegia. Last evaluated: 2022-12-30. Review status: criteria provided, single submitter. Criteria: Invitae Variant Classification Sherloc (09022015). Collection method: clinical testing. Allele origin: germline.
Comment: In summary, the available evidence is currently insufficient to determine the role of this variant in disease. Therefore, it has been classified as a Variant of Uncertain Significance. Algorithms developed to predict the effect of sequence changes on RNA splicing suggest that this variant may create or strengthen a splice site. This variant has not been reported in the literature in individuals affected with KIF5A-related conditions. This variant is not present in population databases (gnomAD no frequency). This sequence change affects codon 786 of the KIF5A mRNA. It is a 'silent' change, meaning that it does not change the encoded amino acid sequence of the KIF5A protein.

NM_004984.4(KIF5A):c.2358A>G (p.Thr786=)

Gene: KIF5A (kinesin family member 5A; plus strand). Cytogenetic location: 12q13.3.
Variant type: single nucleotide variant.
Coding change: c.2358A>G on transcript NM_004984.4 (MANE Select); coding-DNA position 2358, A replaced by G.
Protein change: p.Thr786=; no amino-acid change (threonine 786 retained).
Molecular consequence: synonymous variant.
Genome position (GRCh38, 1-based): chr12:57,577,770, A>G. VCF-style: chr12-57577770-A-G. GRCh37 (hg19) VCF-style: chr12-57971553-A-G.
Other names: c.2091A>G, p.Thr697= (NM_001354705.2).
Identifiers: ClinVar variation 2825069 (VCV002825069.3), dbSNP rs2540511369, ClinGen allele CA480265579.